The following is an entry in ClinVar:

NM_005477.3(HCN4):c.1558C>T (p.Leu520=)

Gene: HCN4 (hyperpolarization activated cyclic nucleotide gated potassium channel 4; minus strand). Cytogenetic location: 15q24.1.
Variant type: single nucleotide variant.
Coding change: c.1558C>T on transcript NM_005477.3 (MANE Select); coding-DNA position 1558, C replaced by T.
Protein change: p.Leu520=; no amino-acid change (leucine 520 retained).
Molecular consequence: synonymous variant.
Genome position (GRCh38, 1-based): chr15:73,329,605, G>A on the plus strand (C>T on the coding strand, the complement: HCN4 is on the minus strand). VCF-style: chr15-73329605-G-A. GRCh37 (hg19) VCF-style: chr15-73621946-G-A.
Other names: p.L520L:CTG>TTG; p.Leu520=.
Identifiers: ClinVar variation 137539 (VCV000137539.27), dbSNP rs12909882, ClinGen allele CA291166.

ClinVar aggregate classification (germline): Benign/Likely benign. Review status: criteria provided, multiple submitters, no conflicts (2 of 4 stars). 13 submissions from 13 submitters: Benign (10); Likely benign (1). 2 of the submissions do not count toward it. Last evaluated 2026-02-04.

Conditions:
Cardiovascular phenotype. Identifiers: MedGen CN230736.
Brugada syndrome 8 (BRGDA8). Identifiers: Orphanet 130, MedGen C2751083, MONDO:0013148, OMIM 613123.
Sick sinus syndrome 2, autosomal dominant (SSS2). Also called: SICK SINUS SYNDROME 2; SICK SINUS SYNDROME 2 WITH OR WITHOUT CARDIAC NONCOMPACTION AND/OR ASCENDING AORTA DILATION; SINUS BRADYCARDIA SYNDROME, FAMILIAL, AUTOSOMAL DOMINANT; SINUS NODE DISEASE, FAMILIAL, AUTOSOMAL DOMINANT; ATRIAL FIBRILLATION WITH BRADYARRHYTHMIA. Identifiers: Orphanet 166282, MedGen C1834144, MONDO:0008102, OMIM 163800.

Allele frequency attached by ClinVar (database versions not stated): 1000 Genomes Project 0.05312; 1000 Genomes Project 30x 0.05340; TOPMed 0.06908; ESP Exome Variant Server 0.07398; gnomAD 0.07778 and 0.07848; ExAC 0.08565; gnomAD exomes 0.08677 and 0.09414.

Submissions (13):

Labcorp Genetics (formerly Invitae), Labcorp
Classification: Benign for Brugada syndrome 8. Last evaluated: 2026-02-04. Review status: criteria provided, single submitter. Criteria: Invitae Variant Classification Sherloc (09022015). Collection method: clinical testing. Allele origin: germline.

Molecular Diagnostic Laboratory for Inherited Cardiovascular Disease, Montreal Heart Institute
Classification: Benign. Last evaluated: 2025-04-09. Review status: criteria provided, single submitter. Criteria: ACMG Guidelines, 2015. Collection method: clinical testing. Allele origin: germline. Affected: no.

Blueprint Genetics
Classification: Likely benign. Last evaluated: 2024-11-27. Review status: criteria provided, single submitter. Criteria: ACMG Guidelines, 2015. Collection method: clinical testing. Allele origin: germline.

Women's Health and Genetics/Laboratory Corporation of America, LabCorp
Classification: Benign. Last evaluated: 2023-04-04. Review status: criteria provided, single submitter. Criteria: LabCorp Variant Classification Summary - May 2015. Collection method: clinical testing. Allele origin: germline.

Mayo Clinic Laboratories, Mayo Clinic
Classification: Benign. Last evaluated: 2022-04-26. Review status: criteria provided, single submitter. Criteria: ACMG Guidelines, 2015. Collection method: clinical testing. Allele origin: germline. Observed: 128 variant alleles.

Illumina Laboratory Services, Illumina
Classification: Benign for Sick sinus syndrome 2, autosomal dominant. Last evaluated: 2018-01-15. Review status: criteria provided, single submitter. Criteria: ICSL Variant Classification Criteria 13 December 2019. Collection method: clinical testing. Allele origin: germline.
Comment: This variant was observed as part of a predisposition screen in an ostensibly healthy population. A literature search was performed for the gene, cDNA change, and amino acid change (where applicable). No publications were found based on this search. Allele frequency data from public databases was too high to be consistent with this variant causing disease. Therefore, this variant is classified as benign.

Athena Diagnostics
Classification: Benign. Last evaluated: 2017-05-10. Review status: criteria provided, single submitter. Criteria: Athena Diagnostics Criteria. Collection method: clinical testing. Allele origin: germline.

Ambry Genetics
Classification: Benign for Cardiovascular phenotype. Last evaluated: 2015-06-23. Review status: criteria provided, single submitter. Criteria: Ambry Variant Classification Scheme 2023. Collection method: clinical testing. Allele origin: germline.

GeneDx
Classification: Benign. Last evaluated: 2014-01-22. Review status: criteria provided, single submitter. Criteria: GeneDx Variant Classification (06012015). Collection method: clinical testing. Allele origin: germline. Affected: yes.
Comment: This variant is considered likely benign or benign based on one or more of the following criteria: it is a conservative change, it occurs at a poorly conserved position in the protein, it is predicted to be benign by multiple in silico algorithms, and/or has population frequency not consistent with disease.

Breakthrough Genomics
Classification: Benign. Review status: criteria provided, single submitter. Criteria: ACMG Guidelines, 2015. Collection method: not provided. Allele origin: germline. Inheritance: Autosomal dominant inheritance. Affected: yes.

PreventionGenetics, part of Exact Sciences
Classification: Benign. Review status: criteria provided, single submitter. Criteria: ACMG Guidelines, 2015. Collection method: clinical testing. Allele origin: germline.

Clinical Genetics, Academic Medical Center
Classification: Benign. Review status: no assertion criteria provided. Collection method: clinical testing. Allele origin: germline. Affected: yes. Study: VKGL Data-share Consensus. Not counted in ClinVar's aggregate classification.

Joint Genome Diagnostic Labs from Nijmegen and Maastricht, Radboudumc and MUMC+
Classification: Benign. Review status: no assertion criteria provided. Collection method: clinical testing. Allele origin: germline. Affected: yes. Study: VKGL Data-share Consensus. Not counted in ClinVar's aggregate classification.

Literature cited by the submitters: PubMed 27439367 (cited by Athena Diagnostics); PubMed 27553229 (cited by Athena Diagnostics); PubMed 23623143 (cited by Athena Diagnostics); PubMed 21615589 (cited by Athena Diagnostics); PubMed 23631727 (cited by Athena Diagnostics).